The following is an entry in ClinVar:

NM_138691.3(TMC1):c.1712_1713delinsCT (p.Phe571Ser)

Gene: TMC1 (transmembrane channel like 1; plus strand). Cytogenetic location: 9q21.13.
Variant type: Indel.
Coding change: c.1712_1713delinsCT on transcript NM_138691.3 (MANE Select); coding-DNA positions 1712 to 1713, TC replaced by CT.
Protein change: p.Phe571Ser; replaces phenylalanine 571 with serine.
Molecular consequence: missense variant.
Genome position (GRCh38, 1-based): chr9:72,816,159-72,816,160, TC replaced by CT. VCF-style: chr9-72816159-TC-CT. GRCh37 (hg19) VCF-style: chr9-75431075-TC-CT.
Other names: short protein forms F571S.
Identifiers: ClinVar variation 4751513 (VCV004751513.1).

ClinVar aggregate classification (germline): Uncertain significance (1 of 4 stars; one submission).

Submission:

Labcorp Genetics (formerly Invitae), Labcorp
Classification: Uncertain significance. Last evaluated: 2026-02-01. Review status: criteria provided, single submitter. Criteria: Invitae Variant Classification Sherloc (09022015). Collection method: clinical testing. Allele origin: germline.
Comment: This sequence change replaces phenylalanine, which is neutral and non-polar, with serine, which is neutral and polar, at codon 571 of the TMC1 protein (p.Phe571Ser). Information on the frequency of this variant in the gnomAD database is not available, as this variant may be reported differently in the database. This variant has not been reported in the literature in individuals affected with TMC1-related conditions. An algorithm developed to predict the effect of missense changes on protein structure and function (PolyPhen-2) suggests that this variant is likely to be disruptive. In summary, the available evidence is currently insufficient to determine the role of this variant in disease. Therefore, it has been classified as a Variant of Uncertain Significance.